The following is an entry in ClinVar:

ClinVar aggregate classification (germline): Conflicting classifications of pathogenicity. Review status: criteria provided, conflicting classifications (1 of 4 stars). 17 submissions from 13 submitters: Uncertain significance (8); Benign (2); Likely benign (7). Last evaluated 2026-04-29.

Conditions:
TTN-related disorder. Also called: TTN-related condition; TTN-related disease; TTN-related disorders.
Cardiovascular phenotype. Identifiers: MedGen CN230736.
Dilated cardiomyopathy 1G (CMD1G). Identifiers: Orphanet 154, MedGen C1858763, MONDO:0011400, OMIM 604145.
Autosomal recessive limb-girdle muscular dystrophy type 2J (LGMDR10). Also called: Limb-girdle muscular dystrophy, type 2J; MUSCULAR DYSTROPHY, LIMB-GIRDLE, AUTOSOMAL RECESSIVE 10. Identifiers: Orphanet 140922, MedGen C1837342, MONDO:0012127, OMIM 608807.
Cardiomyopathy (CMYO). Also called: Cardiomyopathies. Identifiers: Orphanet 167848, MedGen C0878544, MONDO:0004994, HP:0001638. Inheritance: Various modes of inheritance.
Early-onset myopathy with fatal cardiomyopathy (CMYO5). Also called: Salih Myopathy; CONGENITAL MYOPATHY 5 WITH CARDIOMYOPATHY. Identifiers: Orphanet 289377, MedGen C2673677, MONDO:0012714, OMIM 611705. Disease mechanism: loss of function.
Myopathy, myofibrillar, 9, with early respiratory failure (MFM9). Also called: Hereditary myopathy with early respiratory failure; Myopathy, distal, with early respiratory failure, autosomal dominant; EDSTROM MYOPATHY; MYOPATHY, PROXIMAL, WITH EARLY RESPIRATORY MUSCLE INVOLVEMENT. Identifiers: Orphanet 178464, Orphanet 34521, MedGen C1863599, MONDO:0011362, OMIM 603689.
Tibial muscular dystrophy (TMD). Also called: Udd Distal Myopathy – Tibial Muscular Dystrophy; Tibial muscular dystrophy, tardive; UDD MYOPATHY. Identifiers: Orphanet 609, MedGen C1838244, MONDO:0010870, OMIM 600334.

Allele frequency attached by ClinVar (database versions not stated): ExAC 0.00018; gnomAD exomes 0.00018 and 0.00053; gnomAD 0.00020; TOPMed 0.00031; ESP Exome Variant Server 0.00041.
gnomAD v4.1: 806 of 1,613,874 alleles (0.05%); highest among the groups gnomAD compares: Non-Finnish European, 0.064%; no homozygotes.

Submissions (17):

Women's Health and Genetics/Laboratory Corporation of America, LabCorp
Classification: Likely benign. Last evaluated: 2026-04-29. Review status: criteria provided, single submitter. Criteria: LabCorp Variant Classification Summary - May 2015. Collection method: clinical testing. Allele origin: germline.
Comment: Variant summary: TTN c.79919A>T (p.Tyr26640Phe) results in a conservative amino acid change located in the A-band region of the encoded protein sequence. Algorithms developed to predict the effect of missense changes on protein structure and function are either unavailable or do not agree on the potential impact of this missense change. The variant allele was found at a frequency of 0.0005 in 1613874 control chromosomes, predominantly at a frequency of 0.00064 within the Non-Finnish European subpopulation in the gnomAD database. The observed variant frequency within Non-Finnish European control individuals in the gnomAD database exceeds the estimated maximal expected allele frequency for disease-causing variants in TTN. c.79919A>T has been observed in individual(s) affected with Dilated Cardiomyopathy (Pugh_2014, Haskell_2017). These report(s) do not provide unequivocal conclusions about association of the variant with Dilated Cardiomyopathy. To our knowledge, no experimental evidence demonstrating an impact on protein function has been reported. The following publications have been ascertained in the context of this evaluation (PMID: 28611029, 24503780). ClinVar contains an entry for this variant (Variation ID: 47465). Based on the evidence outlined above, the variant was classified as likely benign.

PreventionGenetics, part of Exact Sciences
Classification: Likely benign for TTN-related condition. Last evaluated: 2025-08-06. Review status: criteria provided, single submitter. Criteria: ACMG Guidelines, 2015. Collection method: clinical testing. Allele origin: germline.
Comment: This variant is classified as likely benign based on ACMG/AMP sequence variant interpretation guidelines (Richards et al. 2015 PMID: 25741868, with internal and published modifications).

Molecular Diagnostic Laboratory for Inherited Cardiovascular Disease, Montreal Heart Institute
Classification: Likely benign. Last evaluated: 2025-04-09. Review status: criteria provided, single submitter. Criteria: ACMG Guidelines, 2015. Collection method: clinical testing. Allele origin: germline. Affected: no.

CeGaT Center for Human Genetics Tuebingen
Classification: Uncertain significance. Last evaluated: 2025-02-01. Review status: criteria provided, single submitter. Criteria: CeGaT Center For Human Genetics Tuebingen Variant Classification Criteria Version 2. Collection method: clinical testing. Allele origin: germline. Affected: yes. Observed: 1 variant allele.
Comment: TTN: PM2, PP3

Blueprint Genetics
Classification: Likely benign. Last evaluated: 2024-09-11. Review status: criteria provided, single submitter. Criteria: ACMG Guidelines, 2015. Collection method: clinical testing. Allele origin: germline.

Athena Diagnostics
Classification: Likely benign. Last evaluated: 2024-01-11. Review status: criteria provided, single submitter. Criteria: Athena Diagnostics Criteria. Collection method: clinical testing. Allele origin: unknown.

CHEO Genetics Diagnostic Laboratory, Children's Hospital of Eastern Ontario
Classification: Likely benign for Cardiomyopathy. Last evaluated: 2021-03-26. Review status: criteria provided, single submitter. Criteria: ACMG Guidelines, 2015. Collection method: clinical testing. Allele origin: germline.

GeneDx
Classification: Likely benign. Last evaluated: 2018-01-22. Review status: criteria provided, single submitter. Criteria: GeneDx Variant Classification (06012015). Collection method: clinical testing. Allele origin: germline. Affected: yes.
Comment: This variant is considered likely benign or benign based on one or more of the following criteria: it is a conservative change, it occurs at a poorly conserved position in the protein, it is predicted to be benign by multiple in silico algorithms, and/or has population frequency not consistent with disease.

Illumina Laboratory Services, Illumina
Classification: Uncertain significance for Dilated cardiomyopathy 1G. Last evaluated: 2018-01-19. Review status: criteria provided, single submitter. Criteria: ICSL Variant Classification Criteria 13 December 2019. Collection method: clinical testing. Allele origin: germline.

Illumina Laboratory Services, Illumina
Classification: Uncertain significance for Early-onset myopathy with fatal cardiomyopathy. Last evaluated: 2018-01-19. Review status: criteria provided, single submitter. Criteria: ICSL Variant Classification Criteria 13 December 2019. Collection method: clinical testing. Allele origin: germline.

Illumina Laboratory Services, Illumina
Classification: Uncertain significance for Autosomal recessive limb-girdle muscular dystrophy type 2J. Last evaluated: 2018-01-19. Review status: criteria provided, single submitter. Criteria: ICSL Variant Classification Criteria 13 December 2019. Collection method: clinical testing. Allele origin: germline.

Illumina Laboratory Services, Illumina
Classification: Benign for Tibial muscular dystrophy. Last evaluated: 2018-01-15. Review status: criteria provided, single submitter. Criteria: ICSL Variant Classification Criteria 13 December 2019. Collection method: clinical testing. Allele origin: germline.
Comment: This variant was observed in the ICSL laboratory as part of a predisposition screen in an ostensibly healthy population. It had not been previously curated by ICSL or reported in the Human Gene Mutation Database (HGMD: prior to June 1st, 2018), and was therefore a candidate for classification through an automated scoring system. Utilizing variant allele frequency, disease prevalence and penetrance estimates, and inheritance mode, an automated score was calculated to assess if this variant is too frequent to cause the disease. Based on the score and internal cut-off values, a variant classified as benign is not then subjected to further curation. The score for this variant resulted in a classification of benign for this disease.

Illumina Laboratory Services, Illumina
Classification: Benign for Myopathy, myofibrillar, 9, with early respiratory failure. Last evaluated: 2018-01-15. Review status: criteria provided, single submitter. Criteria: ICSL Variant Classification Criteria 13 December 2019. Collection method: clinical testing. Allele origin: germline.
Comment: the same text as in the submission from Illumina Laboratory Services, Illumina above.

Labcorp Genetics (formerly Invitae), Labcorp
Classification: Uncertain significance for Dilated cardiomyopathy 1G; Autosomal recessive limb-girdle muscular dystrophy type 2J. Last evaluated: 2017-07-10. Review status: criteria provided, single submitter. Criteria: Invitae Variant Classification Sherloc (09022015). Collection method: clinical testing. Allele origin: germline.

Eurofins Ntd Llc (ga)
Classification: Uncertain significance. Last evaluated: 2017-01-30. Review status: criteria provided, single submitter. Criteria: EGL Classification Definitions 2015. Collection method: clinical testing. Allele origin: germline. Observed: 3 variant alleles, 3 heterozygotes.

Ambry Genetics
Classification: Uncertain significance for Cardiovascular phenotype. Last evaluated: 2013-03-18. Review status: criteria provided, single submitter. Criteria: Ambry Autosomal Dominant and X-Linked criteria (10/2015). Collection method: clinical testing. Allele origin: germline. Observed: 1 variant allele.
Comment: There is insufficient or conflicting evidence for classification of this alteration.

Laboratory for Molecular Medicine, Mass General Brigham Personalized Medicine
Classification: Uncertain significance. Last evaluated: 2012-01-10. Review status: criteria provided, single submitter. Criteria: LMM Criteria. Collection method: clinical testing. Allele origin: germline. Observed: 1 variant allele.
Comment: The Tyr26640Phe variant (TTN) has not been reported in the literature, but has b een identified in 5/6690 European American chromosomes and 1/3224 African Americ an chromosomes from a broad, though clinically unspecified population (NHLBI Exo me Sequencing Project). Tyrosine (Tyr) at posi tion 26640 is highly conserved in mammals and across evolutionarily distant spec ies, increasing the likelihood that a change would not be tolerated. Computation al predictions on the impact to the protein are mixed (AlignGVGD, SIFT), though the accuracy of these tools is unknown. Additional data is needed to further ass ess the clinical significance of the Tyr26640Phe variant.

Literature cited by the submitters: PubMed 24503780 (cited by Women's Health and Genetics/Laboratory Corporation of America, LabCorp and Athena Diagnostics); PubMed 28611029 (cited by Women's Health and Genetics/Laboratory Corporation of America, LabCorp and Athena Diagnostics); PubMed 33432171 (cited by Athena Diagnostics); PubMed 29590070 (cited by Athena Diagnostics).

NM_001267550.2(TTN):c.87623A>T (p.Tyr29208Phe)

Genes: TTN (titin; minus strand), TTN-AS1 (TTN antisense RNA 1; plus strand). Cytogenetic location: 2q31.2.
Variant type: single nucleotide variant.
Coding change: c.87623A>T on transcript NM_001267550.2 (MANE Select); coding-DNA position 87623, A replaced by T.
Protein change: p.Tyr29208Phe; replaces tyrosine 29208 with phenylalanine.
Molecular consequence: missense variant.
Genome position (GRCh38, 1-based): chr2:178,557,731, T>A on the plus strand (A>T on the coding strand, the complement: TTN is on the minus strand). VCF-style: chr2-178557731-T-A. GRCh37 (hg19) VCF-style: chr2-179422458-T-A.
Other names: p.Y27567F:TAC>TTC; c.82700A>T, p.Tyr27567Phe (NM_001256850.1); c.79919A>T, p.Tyr26640Phe (NM_133378.4); c.60428A>T, p.Tyr20143Phe (NM_003319.4); c.60803A>T, p.Tyr20268Phe (NM_133432.3); c.61004A>T, p.Tyr20335Phe (NM_133437.4); c.87623A>T (NM_001267550.1); short protein forms Y29208F, Y26640F, Y27567F, Y20335F, Y20143F, Y20268F.
Identifiers: ClinVar variation 47465 (VCV000047465.50), dbSNP rs201831707, ClinGen allele CA141089.